The following is an entry in ClinVar:

ClinVar aggregate classification (germline): Likely benign (1 of 4 stars; one submission).

Allele frequency attached by ClinVar (database versions not stated): gnomAD exomes 0.00001; TOPMed 0.00002; ExAC 0.00003.
gnomAD v4.1: 13 of 1,610,870 alleles (0.00081%); highest among the groups gnomAD compares: Middle Eastern, 0.033%; no homozygotes.

Submission:

CeGaT Center for Human Genetics Tuebingen
Classification: Likely benign. Last evaluated: 2025-11-01. Review status: criteria provided, single submitter. Criteria: CeGaT Center For Human Genetics Tuebingen Variant Classification Criteria Version 2. Collection method: clinical testing. Allele origin: germline. Affected: yes. Observed: 1 variant allele.
Comment: ZNF292: BP4

NM_015021.3(ZNF292):c.7280T>G (p.Phe2427Cys)

Gene: ZNF292 (zinc finger protein 292; plus strand). Cytogenetic location: 6q14.3.
Variant type: single nucleotide variant.
Coding change: c.7280T>G on transcript NM_015021.3 (MANE Select); coding-DNA position 7280, T replaced by G.
Protein change: p.Phe2427Cys; replaces phenylalanine 2427 with cysteine.
Molecular consequence: missense variant.
Genome position (GRCh38, 1-based): chr6:87,260,909, T>G. VCF-style: chr6-87260909-T-G. GRCh37 (hg19) VCF-style: chr6-87970627-T-G.
Other names: c.6860T>G, p.Phe2287Cys (NM_001351444.2); short protein forms F2287C, F2427C.
Identifiers: ClinVar variation 2656759 (VCV002656759.24), dbSNP rs774642356, ClinGen allele CA3914762.